The following is an entry in ClinVar:

ClinVar aggregate classification (germline): Likely benign. Review status: criteria provided, multiple submitters, no conflicts (2 of 4 stars). 3 submissions from 3 submitters: Likely benign (3). Last evaluated 2024-05-20.

Conditions:
Hereditary nonpolyposis colorectal neoplasms. Identifiers: MedGen C0009405, MeSH D003123.
Lynch syndrome. Identifiers: Orphanet 144, MedGen C4552100, MONDO:0005835. Disease mechanism: loss of function.
Hereditary cancer-predisposing syndrome. Also called: Hereditary neoplastic syndrome; Tumor predisposition; Hereditary Cancer Syndrome; Neoplastic Syndromes, Hereditary. Identifiers: Orphanet 140162, MedGen C0027672, MeSH D009386, MONDO:0015356.

Submissions (3):

Labcorp Genetics (formerly Invitae), Labcorp
Classification: Likely benign for Hereditary nonpolyposis colorectal neoplasms. Last evaluated: 2024-05-20. Review status: criteria provided, single submitter. Criteria: Invitae Variant Classification Sherloc (09022015). Collection method: clinical testing. Allele origin: germline.

All of Us Research Program, National Institutes of Health
Classification: Likely benign for Lynch syndrome. Last evaluated: 2023-11-30. Review status: criteria provided, single submitter. Criteria: ACMG Guidelines, 2015. Collection method: clinical testing. Allele origin: germline. Inheritance: Autosomal dominant inheritance. Observed: 1 variant allele, 1 heterozygote.
Comment: This study involves interpretation of variants in research participants for the purpose of population health screening. Participant phenotype was not available at the time of variant classification. Additional details can be found in publication PMID: 35346344, PMCID: PMC8962531

Color Diagnostics, LLC DBA Color Health
Classification: Likely benign for Hereditary cancer-predisposing syndrome. Last evaluated: 2016-11-15. Review status: criteria provided, single submitter. Criteria: ACMG Guidelines, 2015. Collection method: clinical testing. Allele origin: germline.

NM_000179.3(MSH6):c.486A>T (p.Gly162=)

Gene: MSH6 (mutS homolog 6; plus strand). Cytogenetic location: 2p16.3.
Variant type: single nucleotide variant.
Coding change: c.486A>T on transcript NM_000179.3 (MANE Select); coding-DNA position 486, A replaced by T.
Protein change: p.Gly162=; no amino-acid change (glycine 162 retained).
Molecular consequence: synonymous variant. On other transcripts: 5 prime UTR variant (1), intron variant (2).
Genome position (GRCh38, 1-based): chr2:47,795,922, A>T. VCF-style: chr2-47795922-A-T. GRCh37 (hg19) VCF-style: chr2-48023061-A-T.
Other names: c.-417A>T (NM_001281494.2); c.-279-2689A>T (NM_001281493.2); c.238-2689A>T (NM_001281492.2).
Identifiers: ClinVar variation 491975 (VCV000491975.13), dbSNP rs1553411402, ClinGen allele CA425992682.